The following is an entry in ClinVar:

ClinVar aggregate classification (germline): Likely pathogenic (1 of 4 stars; one submission).

Submission:

Quest Diagnostics Nichols Institute San Juan Capistrano
Classification: Likely pathogenic. Last evaluated: 2022-07-09. Review status: criteria provided, single submitter. Criteria: ACMG/ClinGen CNV Guidelines, 2019. Collection method: clinical testing. Allele origin: unknown.
Comment: The copy number gain of 19p13.2 involves numerous protein-coding genes. Copy number gains overlapping the current interval have been identified in individuals with what has been described as mirror Malan syndrome (Lehman 2018, Trimouille 2019, Zenker 2012). This copy number variant (CNV) is classified as likely pathogenic. References: Trimouille et al., Eur J Hum Genet. 2018 Jan;26(1):85-93. PMID: 29184170 Zenker et al., Am J Med Genet C Semin Med Genet. 2019 Dec;181(4):611-626. PMID: 31730271 Lehman et al., Clin Genet. 2012 Jan;81(1):56-63. PMID: 21204797

GRCh37/hg19 19p13.2(chr19:12281048-13573342)x3

Genes: BEST2 (bestrophin 2; plus strand), CACNA1A (calcium voltage-gated channel subunit alpha1 A; minus strand), CALR (calreticulin; plus strand), DAND5 (DAN domain BMP antagonist family member 5; plus strand), DHPS (deoxyhypusine synthase; minus strand) and 36 more. Cytogenetic location: 19p13.2.
Variant type: copy number gain.
Change: copy number 3 (three copies instead of two) of chr19:12,281,048-13,573,342 (1.29 Mb, GRCh37 coordinates, 1-based), cytogenetic band 19p13.2.
Identifiers: ClinVar variation 2684885 (VCV002684885.1).